The following is an entry in ClinVar:

NM_002878.4(RAD51D):c.-43G>A

Genes: RAD51L3-RFFL (RAD51L3-RFFL readthrough; minus strand), RAD51D (RAD51 paralog D; minus strand). Cytogenetic location: 17q12.
Variant type: single nucleotide variant.
Coding change: c.-43G>A on transcript NM_002878.4 (MANE Select); 43 bases upstream of the start codon, G replaced by A.
Molecular consequence: 5 prime UTR variant. On other transcripts: non-coding transcript variant (2).
Genome position (GRCh38, 1-based): chr17:35,119,656, C>T on the plus strand (G>A on the coding strand, the complement: RAD51D is on the minus strand). VCF-style: chr17-35119656-C-T. GRCh37 (hg19) VCF-style: chr17-33446675-C-T.
Other names: c.-43G>A (NM_001142571.2, NM_133629.3).
Identifiers: ClinVar variation 391939 (VCV000391939.1), dbSNP rs776435937, ClinGen allele CA8499721.

ClinVar aggregate classification (germline): Likely benign (1 of 4 stars; one submission).

Allele frequency attached by ClinVar (database versions not stated): gnomAD exomes below 0.00001; ExAC 0.00001.

Submission:

GeneDx
Classification: Likely benign. Last evaluated: 2016-12-15. Review status: criteria provided, single submitter. Criteria: GeneDx Variant Classification (06012015). Collection method: clinical testing. Allele origin: germline. Affected: yes.
Comment: This variant is considered likely benign or benign based on one or more of the following criteria: it is a conservative change, it occurs at a poorly conserved position in the protein, it is predicted to be benign by multiple in silico algorithms, and/or has population frequency not consistent with disease.